The following is an entry in ClinVar:

NM_005051.3(QARS1):c.1052G>A (p.Arg351His)

Gene: QARS1 (glutaminyl-tRNA synthetase 1; minus strand). Cytogenetic location: 3p21.31.
Variant type: single nucleotide variant.
Coding change: c.1052G>A on transcript NM_005051.3 (MANE Select); coding-DNA position 1052, G replaced by A.
Protein change: p.Arg351His; replaces arginine 351 with histidine.
Molecular consequence: missense variant. On other transcripts: non-coding transcript variant (1).
Genome position (GRCh38, 1-based): chr3:49,100,383, C>T on the plus strand (G>A on the coding strand, the complement: QARS1 is on the minus strand). VCF-style: chr3-49100383-C-T. GRCh37 (hg19) VCF-style: chr3-49137816-C-T.
Other names: c.1019G>A, p.Arg340His (NM_001272073.2); short protein forms R340H, R351H.
Identifiers: ClinVar variation 1383582 (VCV001383582.3), dbSNP rs1450459883, ClinGen allele CA352710951.

ClinVar aggregate classification (germline): Uncertain significance (1 of 4 stars; one submission).

Conditions:
Diffuse cerebral and cerebellar atrophy - intractable seizures - progressive microcephaly syndrome. Also called: Microcephaly, progressive, with seizures and cerebral and cerebellar atrophy. Identifiers: Orphanet 404437, MedGen C4014239, MONDO:0014335, OMIM 615760.

Allele frequency attached by ClinVar (database versions not stated): TOPMed below 0.00001; gnomAD exomes 0.00001.

Submission:

Labcorp Genetics (formerly Invitae), Labcorp
Classification: Uncertain significance for Diffuse cerebral and cerebellar atrophy - intractable seizures - progressive microcephaly syndrome. Last evaluated: 2022-06-27. Review status: criteria provided, single submitter. Criteria: Invitae Variant Classification Sherloc (09022015). Collection method: clinical testing. Allele origin: germline.
Comment: This sequence change replaces arginine, which is basic and polar, with histidine, which is basic and polar, at codon 351 of the QARS protein (p.Arg351His). This variant is present in population databases (no rsID available, gnomAD 0.003%). This variant has not been reported in the literature in individuals affected with QARS-related conditions. Algorithms developed to predict the effect of missense changes on protein structure and function output the following: SIFT: "Tolerated"; PolyPhen-2: "Benign"; Align-GVGD: "Class C0". The histidine amino acid residue is found in multiple mammalian species, which suggests that this missense change does not adversely affect protein function. In summary, the available evidence is currently insufficient to determine the role of this variant in disease. Therefore, it has been classified as a Variant of Uncertain Significance.